The following is an entry in ClinVar:

ClinVar aggregate classification (germline): Uncertain significance (1 of 4 stars; one submission).

Allele frequency attached by ClinVar (database versions not stated): gnomAD exomes 0.00001; TOPMed 0.00001; 1000 Genomes Project 30x 0.00016; 1000 Genomes Project 0.00020.
gnomAD v4.1: 13 of 1,613,404 alleles (0.00081%); highest among the groups gnomAD compares: Non-Finnish European, 0.001%; no homozygotes.

Submission:

Labcorp Genetics (formerly Invitae), Labcorp
Classification: Uncertain significance. Last evaluated: 2024-01-06. Review status: criteria provided, single submitter. Criteria: Invitae Variant Classification Sherloc (09022015). Collection method: clinical testing. Allele origin: germline.
Comment: This sequence change replaces isoleucine, which is neutral and non-polar, with valine, which is neutral and non-polar, at codon 172 of the SGMS2 protein (p.Ile172Val). This variant is present in population databases (rs534545752, gnomAD 0.002%). This variant has not been reported in the literature in individuals affected with SGMS2-related conditions. Advanced modeling of protein sequence and biophysical properties (such as structural, functional, and spatial information, amino acid conservation, physicochemical variation, residue mobility, and thermodynamic stability) performed at Invitae indicates that this missense variant is not expected to disrupt SGMS2 protein function with a negative predictive value of 80%. In summary, the available evidence is currently insufficient to determine the role of this variant in disease. Therefore, it has been classified as a Variant of Uncertain Significance.

NM_001375905.1(SGMS2):c.514A>G (p.Ile172Val)

Genes: CYP2U1-AS1 (CYP2U1 and SGMS2 antisense RNA 1; minus strand), SGMS2 (sphingomyelin synthase 2; plus strand). Cytogenetic location: 4q25.
Variant type: single nucleotide variant.
Coding change: c.514A>G on transcript NM_001375905.1 (MANE Select); coding-DNA position 514, A replaced by G.
Protein change: p.Ile172Val; replaces isoleucine 172 with valine.
Molecular consequence: missense variant. On other transcripts: 5 prime UTR variant (1).
Genome position (GRCh38, 1-based): chr4:107,899,633, A>G. VCF-style: chr4-107899633-A-G. GRCh37 (hg19) VCF-style: chr4-108820789-A-G.
Other names: c.514A>G, p.Ile172Val (NM_001136257.2, NM_001136258.2, NM_001375906.1 and 4 more transcripts); c.-6A>G (NM_001375911.1); short protein forms I172V.
Identifiers: ClinVar variation 2868107 (VCV002868107.3), dbSNP rs534545752, ClinGen allele CA3036790.